The following is an entry in ClinVar:

NM_020800.3(IFT80):c.1858C>G (p.Leu620Val)

Genes: IFT80 (intraflagellar transport 80; minus strand), TRIM59-IFT80 (TRIM59-IFT80 readthrough (NMD candidate); minus strand). Cytogenetic location: 3q25.33.
Variant type: single nucleotide variant.
Coding change: c.1858C>G on transcript NM_020800.3 (MANE Select); coding-DNA position 1858, C replaced by G.
Protein change: p.Leu620Val; replaces leucine 620 with valine.
Molecular consequence: missense variant. On other transcripts: non-coding transcript variant (3).
Genome position (GRCh38, 1-based): chr3:160,277,649, G>C on the plus strand (C>G on the coding strand, the complement: IFT80 is on the minus strand). VCF-style: chr3-160277649-G-C. GRCh37 (hg19) VCF-style: chr3-159995437-G-C.
Other names: c.1447C>G, p.Leu483Val (NM_001190241.2, NM_001190242.2); short protein forms L483V, L620V.
Identifiers: ClinVar variation 1449688 (VCV001449688.4), dbSNP rs1037844686, ClinGen allele CA86550267.

ClinVar aggregate classification (germline): Uncertain significance (1 of 4 stars; one submission).

Conditions:
Jeune thoracic dystrophy. Also called: Jeune syndrome; Infantile thoracic dystrophy; Thoracic pelvic phalangeal dystrophy; Jeune's syndrome; Chondroectodermal dysplasia-like syndrome; Short-rib thoracic dysplasia. Identifiers: Orphanet 474, MedGen C0265275, MONDO:0018770.

Allele frequency attached by ClinVar (database versions not stated): gnomAD exomes below 0.00001; gnomAD 0.00001; TOPMed 0.00001.
gnomAD v4.1: 5 of 1,613,206 alleles (0.00031%); highest among the groups gnomAD compares: African/African-American, 0.0027%; no homozygotes.

Submission:

Labcorp Genetics (formerly Invitae), Labcorp
Classification: Uncertain significance for Jeune thoracic dystrophy. Last evaluated: 2022-08-22. Review status: criteria provided, single submitter. Criteria: Invitae Variant Classification Sherloc (09022015). Collection method: clinical testing. Allele origin: germline.
Comment: In summary, the available evidence is currently insufficient to determine the role of this variant in disease. Therefore, it has been classified as a Variant of Uncertain Significance. Algorithms developed to predict the effect of missense changes on protein structure and function are either unavailable or do not agree on the potential impact of this missense change (SIFT: "Deleterious"; PolyPhen-2: "Probably Damaging"; Align-GVGD: "Class C0"). ClinVar contains an entry for this variant (Variation ID: 1449688). This variant has not been reported in the literature in individuals affected with IFT80-related conditions. This variant is not present in population databases (gnomAD no frequency). This sequence change replaces leucine, which is neutral and non-polar, with valine, which is neutral and non-polar, at codon 620 of the IFT80 protein (p.Leu620Val).